The following is an entry in ClinVar:

NM_007294.4(BRCA1):c.5406+10G>A

Gene: BRCA1 (BRCA1 DNA repair associated; minus strand). Cytogenetic location: 17q21.31.
Variant type: single nucleotide variant.
Coding change: c.5406+10G>A on transcript NM_007294.4 (MANE Select); 10 bases into the intron after coding-DNA position 5406, G replaced by A.
Molecular consequence: intron variant.
Genome position (GRCh38, 1-based): chr17:43,049,111, C>T on the plus strand (G>A on the coding strand, the complement: BRCA1 is on the minus strand). VCF-style: chr17-43049111-C-T. GRCh37 (hg19) VCF-style: chr17-41201128-C-T.
Other names: c.5070+10G>A (NM_001407952.1, NM_001407950.1, NM_001407953.1 and 3 more transcripts); c.5259+10G>A (NM_001407841.1, NM_001407838.1, NM_001407848.1 and 12 more transcripts); c.5199+10G>A (NM_001407874.1, NM_001407875.1); c.2016+10G>A (NM_001408416.1, NM_001408414.1, NM_001408415.1 and 2 more transcripts); c.5193+10G>A (NM_001407571.1, NM_001407907.1, NM_001407902.1 and 12 more transcripts); c.5073+10G>A (NM_001407948.1, NM_001407947.1, NM_001407949.1 and 1 more transcripts); c.1884+10G>A (NM_001408484.1, NM_001408485.1, NM_001408483.1 and 5 more transcripts); c.1887+10G>A (NM_001408478.1, NM_001408480.1, NM_001408479.1); and 84 more.
Identifiers: ClinVar variation 868060 (VCV000868060.13), dbSNP rs2051069733, ClinGen allele CA916080828.

ClinVar aggregate classification (germline): Conflicting classifications of pathogenicity. Review status: criteria provided, conflicting classifications (1 of 4 stars). 2 submissions from 2 submitters: Uncertain significance (1); Likely benign (1). Last evaluated 2024-06-13.

Conditions:
Hereditary breast ovarian cancer syndrome. Also called: Hereditary breast and ovarian cancer; Hereditary breast and ovarian cancer syndrome (HBOC); Breast and ovarian cancer; Hereditary breast and/or ovarian cancer syndrome; BRCA1- and BRCA2-Associated Hereditary Breast and Ovarian Cancer; Hereditary breast and ovarian cancer syndrome. Identifiers: Orphanet 145, MedGen C0677776, MeSH D061325, MONDO:0003582. Disease mechanism: loss of function.
Breast-ovarian cancer, familial, susceptibility to, 1 (BROVCA1). Also called: BRCA1 Hereditary Breast and Ovarian Cancer; OVARIAN CANCER, SUSCEPTIBILITY TO. Identifiers: Orphanet 145, MedGen C2676676, MONDO:0011450, OMIM 604370. Disease mechanism: loss of function.
Fanconi anemia, complementation group S (FANCS). Identifiers: MedGen C4554406, MONDO:0054748, OMIM 617883.
Pancreatic cancer, susceptibility to, 4. Identifiers: Orphanet 1333, MedGen C3280442, MONDO:0013685, OMIM 614320.

Allele frequency attached by ClinVar (database versions not stated): gnomAD exomes below 0.00001.

Submissions (3):

Fulgent Genetics
Classification: Uncertain significance for Breast-ovarian cancer, familial, susceptibility to, 1; Pancreatic cancer, susceptibility to, 4; Fanconi anemia, complementation group S. Last evaluated: 2024-06-13. Review status: criteria provided, single submitter. Criteria: ACMG Guidelines, 2015. Collection method: clinical testing. Allele origin: germline.

Labcorp Genetics (formerly Invitae), Labcorp
Classification: Likely benign for Hereditary breast ovarian cancer syndrome. Last evaluated: 2022-09-01. Review status: criteria provided, single submitter. Criteria: Invitae Variant Classification Sherloc (09022015). Collection method: clinical testing. Allele origin: germline.

Brotman Baty Institute, University of Washington
No classification provided (evidence only). Condition: Breast-ovarian cancer, familial 1. Review status: no classification provided. Collection method: in vitro. Allele origin: not applicable. Functional consequence: functionally_normal. Not counted in ClinVar's aggregate classification.
ClinVar note: "not provided" was previously submitted as the classification for the variant. However, the classification appeared to be based only on an observation of functional data so it was converted to no classification on 2025-07-30.